The following is an entry in ClinVar:

ClinVar aggregate classification (germline): Uncertain significance (1 of 4 stars; one submission).

Conditions:
Progressive myoclonic epilepsy type 3. Also called: KCTD7-Related Progressive Myoclonic Epilepsy; EPILEPSY, PROGRESSIVE MYOCLONIC, 3, WITHOUT INTRACELLULAR INCLUSIONS; EPILEPSY, PROGRESSIVE MYOCLONIC, 3, WITH OR WITHOUT INTRACELLULAR INCLUSIONS; CEROID LIPOFUSCINOSIS, NEURONAL, 14. Identifiers: Orphanet 263516, MedGen C2673257, MONDO:0012721, OMIM 611726.

Allele frequency attached by ClinVar (database versions not stated): gnomAD exomes below 0.00001; TOPMed below 0.00001.

Submission:

Labcorp Genetics (formerly Invitae), Labcorp
Classification: Uncertain significance for Progressive myoclonic epilepsy type 3. Last evaluated: 2021-09-01. Review status: criteria provided, single submitter. Criteria: Invitae Variant Classification Sherloc (09022015). Collection method: clinical testing. Allele origin: germline.
Comment: This sequence change replaces proline with alanine at codon 50 of the KCTD7 protein (p.Pro50Ala). The proline residue is highly conserved and there is a small physicochemical difference between proline and alanine. This variant is not present in population databases (ExAC no frequency). This variant has not been reported in the literature in individuals affected with KCTD7-related conditions. Algorithms developed to predict the effect of missense changes on protein structure and function (SIFT, PolyPhen-2, Align-GVGD) all suggest that this variant is likely to be disruptive. In summary, the available evidence is currently insufficient to determine the role of this variant in disease. Therefore, it has been classified as a Variant of Uncertain Significance.

NM_153033.5(KCTD7):c.148C>G (p.Pro50Ala)

Gene: KCTD7 (potassium channel tetramerization domain containing 7; plus strand). Cytogenetic location: 7q11.21.
Variant type: single nucleotide variant.
Coding change: c.148C>G on transcript NM_153033.5 (MANE Select); coding-DNA position 148, C replaced by G.
Protein change: p.Pro50Ala; replaces proline 50 with alanine.
Molecular consequence: missense variant.
Genome position (GRCh38, 1-based): chr7:66,633,278, C>G. VCF-style: chr7-66633278-C-G. GRCh37 (hg19) VCF-style: chr7-66098265-C-G.
Other names: c.148C>G, p.Pro50Ala (NM_001167961.2); short protein forms P50A.
Identifiers: ClinVar variation 971928 (VCV000971928.7), dbSNP rs1476493354, ClinGen allele CA367695440.
Genomic context (GRCh38, chr7:66,633,278, plus strand): 5'-CAGCCCCAGCTCTCATTCCCCGTTGCCTGCCTGAGAGCCCTGGTGATTTCTTTCCAGTTT[C>G]CTGAGGTTGTTCCCCTTAACATCGGAGGGGCTCACTTCACTACACGCCTGTCCACACTGC-3'
Protein context (NP_694578.1, residues 40-60): HALPLLPQEF[Pro50Ala]EVVPLNIGGA